The following is an entry in ClinVar:

NM_206933.4(USH2A):c.5767C>G (p.Pro1923Ala)

Genes: USH2A (usherin; minus strand), USH2A-AS2 (USH2A antisense RNA 2; plus strand). Cytogenetic location: 1q41.
Variant type: single nucleotide variant.
Coding change: c.5767C>G on transcript NM_206933.4 (MANE Select); coding-DNA position 5767, C replaced by G.
Protein change: p.Pro1923Ala; replaces proline 1923 with alanine.
Molecular consequence: missense variant.
Genome position (GRCh38, 1-based): chr1:216,073,106, G>C on the plus strand (C>G on the coding strand, the complement: USH2A is on the minus strand). VCF-style: chr1-216073106-G-C. GRCh37 (hg19) VCF-style: chr1-216246448-G-C.
Other names: short protein forms P1923A.
Identifiers: ClinVar variation 2155311 (VCV002155311.1), dbSNP rs949542220, ClinGen allele CA37437191.
Genomic context (GRCh38, chr1:216,073,106, plus strand): 5'-GGGGATGAATAAGAGACATGTAACATTTAATTTAGAGGACCTCCACATTACCTGTAAAAG[G>C]CTGGAGACCACCCTCGTAAACACTCTGCTCTTTTCCCTGGTAAACCAGGATGGAGTCATT-3'
Protein context (NP_996816.3, residues 1913-1933): EQSVYEGGLQ[Pro1923Ala]FTEYLYRVIA

ClinVar aggregate classification (germline): Uncertain significance (1 of 4 stars; one submission).

Allele frequency attached by ClinVar (database versions not stated): TOPMed below 0.00001; gnomAD 0.00001.
gnomAD v4.1: 1 of 1,613,676 alleles (0.000062%); highest among the groups gnomAD compares: Non-Finnish European, 0.000085%; no homozygotes.

Submission:

Labcorp Genetics (formerly Invitae), Labcorp
Classification: Uncertain significance. Last evaluated: 2022-06-19. Review status: criteria provided, single submitter. Criteria: Invitae Variant Classification Sherloc (09022015). Collection method: clinical testing. Allele origin: germline.
Comment: This sequence change replaces proline, which is neutral and non-polar, with alanine, which is neutral and non-polar, at codon 1923 of the USH2A protein (p.Pro1923Ala). This variant is not present in population databases (gnomAD no frequency). This variant has not been reported in the literature in individuals affected with USH2A-related conditions. Algorithms developed to predict the effect of missense changes on protein structure and function (SIFT, PolyPhen-2, Align-GVGD) all suggest that this variant is likely to be tolerated. In summary, the available evidence is currently insufficient to determine the role of this variant in disease. Therefore, it has been classified as a Variant of Uncertain Significance.